The following is an entry in ClinVar:

NM_006206.6(PDGFRA):c.661C>T (p.Leu221Phe)

Gene: PDGFRA (platelet derived growth factor receptor alpha; plus strand). Cytogenetic location: 4q12.
Variant type: single nucleotide variant.
Coding change: c.661C>T on transcript NM_006206.6 (MANE Select); coding-DNA position 661, C replaced by T.
Protein change: p.Leu221Phe; replaces leucine 221 with phenylalanine.
Molecular consequence: missense variant.
Genome position (GRCh38, 1-based): chr4:54,264,951, C>T. VCF-style: chr4-54264951-C-T. GRCh37 (hg19) VCF-style: chr4-55131118-C-T.
Other names: c.661C>T, p.Leu221Phe (NM_001347827.2, NM_001347829.2); c.736C>T, p.Leu246Phe (NM_001347828.2); c.700C>T, p.Leu234Phe (NM_001347830.2); c.661C>T (NM_006206.5); short protein forms L221F, L234F, L246F.
Identifiers: ClinVar variation 41801 (VCV000041801.64), dbSNP rs139913632, ClinGen allele CA161444.
Genomic context (GRCh38, chr4:54,264,951, plus strand): 5'-AGGCCCTTGTATTTGTTCTTTTTTATAGCAACATCAGAGCTGGATCTAGAAATGGAAGCT[C>T]TTAAAACCGTGTATAAGTCAGGGGAAACGATTGTGGTCACCTGTGCTGTTTTTAACAATG-3'
Protein context (NP_006197.1, residues 211-231): TSELDLEMEA[Leu221Phe]KTVYKSGETI

ClinVar aggregate classification (germline): Benign/Likely benign. Review status: criteria provided, multiple submitters, no conflicts (2 of 4 stars). 20 submissions from 19 submitters: Benign (6); Likely benign (8). 6 of the submissions do not count toward it. Last evaluated 2026-08-01.

Conditions:
Myeloproliferative neoplasm, unclassifiable. Identifiers: Orphanet 86830, MedGen C1333046, MONDO:0019452.
Polyps, multiple and recurrent inflammatory fibroid, gastrointestinal. Identifiers: MedGen C5193005, MONDO:0008285, OMIM 175510.
Hereditary cancer-predisposing syndrome. Also called: Neoplastic Syndromes, Hereditary; Hereditary neoplastic syndrome; Hereditary Cancer Syndrome; Tumor predisposition. Identifiers: Orphanet 140162, MedGen C0027672, MeSH D009386, MONDO:0015356.
Gastrointestinal stromal tumor. Also called: Gastrointestinal stromal tumor, somatic; Gastrointestinal stroma tumor. Identifiers: Orphanet 44890, MedGen C0238198, MeSH D046152, MONDO:0011719, OMIM 606764, HP:0100723.
Idiopathic hypereosinophilic syndrome (HES). Identifiers: Orphanet 3260, MedGen C0206141, MONDO:0011895, OMIM 607685. Disease mechanism: gain of function.

Allele frequency attached by ClinVar (database versions not stated): 1000 Genomes Project 0.00160; ESP Exome Variant Server 0.00331; gnomAD exomes 0.00463 and 0.00343; gnomAD 0.00307 and 0.00298; 1000 Genomes Project 30x 0.00125; TOPMed 0.00279; ExAC 0.00376.
gnomAD v4.1: 7,158 of 1,613,168 alleles (0.44%); highest among the groups gnomAD compares: Non-Finnish European, 0.54%; 19 homozygotes.

Submissions (20):

CeGaT Center for Human Genetics Tuebingen
Classification: Likely benign. Last evaluated: 2026-08-01. Review status: criteria provided, single submitter. Criteria: CeGaT Center For Human Genetics Tuebingen Variant Classification Criteria Version 2. Collection method: clinical testing. Allele origin: germline. Affected: yes. Observed: 44 variant alleles.
Comment: PDGFRA: BP4, BS2

Myriad Genetics, Inc.
Classification: Likely benign for Polyps, multiple and recurrent inflammatory fibroid, gastrointestinal. Last evaluated: 2026-06-12. Review status: criteria provided, single submitter. Criteria: Myriad Autosomal Dominant, Autosomal Recessive and X-Linked Classification Criteria (2023). Collection method: clinical testing. Allele origin: unknown.
Comment: This variant is considered likely benign. This variant has been observed at a population frequency that is significantly greater than expected given the associated disease prevalence and penetrance.

Dasa
Classification: Benign. Last evaluated: 2026-03-24. Review status: criteria provided, single submitter. Criteria: DASA Assertion Criteria. Collection method: clinical testing. Allele origin: germline.
Comment: NM_006206.6(PDGFRA):c.661C>T (p.Leu221Phe) is a missense variant that results in the substitution of leucine with phenylalanine. Population frequency is inconsistent with a disease-causing role for this variant, and observations in unaffected individuals support a benign interpretation. Therefore, based on the currently available evidence, this variant is classified as benign.

Labcorp Genetics (formerly Invitae), Labcorp
Classification: Benign for Gastrointestinal stromal tumor. Last evaluated: 2026-02-04. Review status: criteria provided, single submitter. Criteria: Invitae Variant Classification Sherloc (09022015). Collection method: clinical testing. Allele origin: germline.

ARUP Laboratories, Molecular Genetics and Genomics, ARUP Laboratories
Classification: Likely benign. Last evaluated: 2025-05-06. Review status: criteria provided, single submitter. Criteria: ARUP Molecular Germline Variant Investigation Process 2024. Collection method: clinical testing. Allele origin: germline.

Blueprint Genetics
Classification: Likely benign. Last evaluated: 2024-11-25. Review status: criteria provided, single submitter. Criteria: ACMG Guidelines, 2015. Collection method: clinical testing. Allele origin: germline.

Genetic Services Laboratory, University of Chicago
Classification: Benign. Last evaluated: 2021-06-17. Review status: criteria provided, single submitter. Criteria: ACMG Guidelines, 2015. Collection method: clinical testing. Allele origin: germline. Affected: no.

GeneDx
Classification: Likely benign. Last evaluated: 2021-04-05. Review status: criteria provided, single submitter. Criteria: GeneDx Variant Classification Process June 2021. Collection method: clinical testing. Allele origin: germline. Affected: yes.
Comment: In silico analysis, which includes protein predictors and evolutionary conservation, supports that this variant does not alter protein structure/function; This variant is associated with the following publications: (PMID: 22718859, 27449473, 22703879, 25111073)

St. Jude Molecular Pathology, St. Jude Children's Research Hospital
Classification: Likely benign for Gastrointestinal stromal tumor. Last evaluated: 2020-08-19. Review status: criteria provided, single submitter. Criteria: St. Jude Assertion Criteria 2020. Collection method: clinical testing. Allele origin: germline.

Sema4
Classification: Benign for Hereditary cancer-predisposing syndrome. Last evaluated: 2020-07-21. Review status: criteria provided, single submitter. Criteria: Sema4 Curation Guidelines. Collection method: curation. Allele origin: germline.

Ambry Genetics
Classification: Benign for Hereditary cancer-predisposing syndrome. Last evaluated: 2018-10-18. Review status: criteria provided, single submitter. Criteria: Ambry Variant Classification Scheme 2023. Collection method: clinical testing. Allele origin: germline.

Illumina Laboratory Services, Illumina
Classification: Benign for Idiopathic hypereosinophilic syndrome. Last evaluated: 2018-01-12. Review status: criteria provided, single submitter. Criteria: ICSL Variant Classification Criteria 13 December 2019. Collection method: clinical testing. Allele origin: germline.
Comment: This variant was observed in the ICSL laboratory as part of a predisposition screen in an ostensibly healthy population. It had not been previously curated by ICSL or reported in the Human Gene Mutation Database (HGMD: prior to June 1st, 2018), and was therefore a candidate for classification through an automated scoring system. Utilizing variant allele frequency, disease prevalence and penetrance estimates, and inheritance mode, an automated score was calculated to assess if this variant is too frequent to cause the disease. Based on the score and internal cut-off values, a variant classified as benign is not then subjected to further curation. The score for this variant resulted in a classification of benign for this disease.

Illumina Laboratory Services, Illumina
Classification: Likely benign for Gastrointestinal stromal tumor. Last evaluated: 2018-01-12. Review status: criteria provided, single submitter. Criteria: ICSL Variant Classification Criteria 13 December 2019. Collection method: clinical testing. Allele origin: germline.
Comment: This variant was observed in the ICSL laboratory as part of a predisposition screen in an ostensibly healthy population. It had not been previously curated by ICSL or reported in the Human Gene Mutation Database (HGMD: prior to June 1st, 2018), and was therefore a candidate for classification through an automated scoring system. Utilizing variant allele frequency, disease prevalence and penetrance estimates, and inheritance mode, an automated score was calculated to assess if this variant is too frequent to cause the disease. Based on the score and internal cut-off values, a variant classified as likely benign is not then subjected to further curation. The score for this variant resulted in a classification of likely benign for this disease.

Breakthrough Genomics
Classification: Likely benign. Review status: criteria provided, single submitter. Criteria: ACMG Guidelines, 2015. Collection method: not provided. Allele origin: germline. Inheritance: Autosomal dominant inheritance. Affected: yes.

ITMI
No classification provided. Condition: AllHighlyPenetrant. Last evaluated: 2013-09-19. Review status: no classification provided. Collection method: reference population. Allele origin: germline. Not counted in ClinVar's aggregate classification.
Comment: Please see associated publication for description of ethnicities

Biesecker Lab/Clinical Genomics Section, National Institutes of Health
Classification: Uncertain significance. Last evaluated: 2012-07-13. Review status: no assertion criteria provided. Collection method: research. Allele origin: germline. Affected: no. Observed: 5 variant alleles. Study: ClinSeq. Not counted in ClinVar's aggregate classification.
ClinVar note: Converted during submission from variant of unknown significance to Uncertain significance.

Clinical Genetics DNA and cytogenetics Diagnostics Lab, Erasmus MC, Erasmus Medical Center
Classification: Likely benign. Review status: no assertion criteria provided. Collection method: clinical testing. Allele origin: germline. Affected: yes. Study: VKGL Data-share Consensus. Not counted in ClinVar's aggregate classification.

Diagnostic Laboratory, Department of Genetics, University Medical Center Groningen
Classification: Likely benign. Review status: no assertion criteria provided. Collection method: clinical testing. Allele origin: germline. Affected: yes. Study: VKGL Data-share Consensus. Not counted in ClinVar's aggregate classification.

Genome Diagnostics Laboratory, Amsterdam University Medical Center
Classification: Likely benign. Review status: no assertion criteria provided. Collection method: clinical testing. Allele origin: germline. Affected: yes. Study: VKGL Data-share Consensus. Not counted in ClinVar's aggregate classification.

Dept. of Cytogenetics, ICMR- National Institute of Immunohaematology
Classification: Pathogenic for Myeloproliferative neoplasm, unclassifiable. Last evaluated: 2022-08-25. Review status: flagged submission. Criteria: Oncogenicity SOP (ClinGen, CGC, VICC guidelines) 2022. Collection method: clinical testing. Allele origin: somatic. Affected: yes. Observed: 1 variant allele. Not counted in ClinVar's aggregate classification.
ClinVar note: Reason: Outlier claim with insufficient supporting evidence

Literature cited by the submitters: PubMed 22718859 (cited by Ambry Genetics); PubMed 24728327 (cited by ITMI).